The following is an entry in ClinVar:

NM_001631.5(ALPI):c.528C>T (p.Ala176=)

Gene: ALPI (alkaline phosphatase, intestinal; plus strand). Cytogenetic location: 2q37.1.
Variant type: single nucleotide variant.
Coding change: c.528C>T on transcript NM_001631.5 (MANE Select); coding-DNA position 528, C replaced by T.
Protein change: p.Ala176=; no amino-acid change (alanine 176 retained).
Molecular consequence: synonymous variant.
Genome position (GRCh38, 1-based): chr2:232,457,202, C>T. VCF-style: chr2-232457202-C-T. GRCh37 (hg19) VCF-style: chr2-233321912-C-T.
Identifiers: ClinVar variation 4986756 (VCV004986756.1).

ClinVar aggregate classification (germline): Likely benign (1 of 4 stars; one submission).

Conditions:
ALPI-related disorder. Also called: ALPI-related condition.

gnomAD v4.1: 17 of 1,613,512 alleles (0.0011%); highest among the groups gnomAD compares: Middle Eastern, 0.033%; no homozygotes.

Submission:

PreventionGenetics, part of Exact Sciences
Classification: Likely benign for ALPI-related condition. Last evaluated: 2025-08-04. Review status: criteria provided, single submitter. Criteria: ACMG Guidelines, 2015. Collection method: clinical testing. Allele origin: germline.
Comment: This variant is classified as likely benign based on ACMG/AMP sequence variant interpretation guidelines (Richards et al. 2015 PMID: 25741868, with internal and published modifications).